The following continues an entry in ClinVar:

NM_000059.4(BRCA2):c.8452G>A (p.Val2818Ile)

Gene: BRCA2. ClinVar aggregate classification (germline): Conflicting classifications of pathogenicity. Uncertain significance (10); Benign (1); Likely benign (2).

Submissions 11 to 16 of 16:

All of Us Research Program, National Institutes of Health
Classification: Uncertain significance for Breast-ovarian cancer, familial, susceptibility to, 2. Last evaluated: 2023-12-01. Review status: criteria provided, single submitter. Criteria: ACMG Guidelines, 2015. Collection method: clinical testing. Allele origin: germline. Inheritance: Autosomal dominant inheritance. Observed: 2 variant alleles, 2 heterozygotes.
Comment: This missense variant replaces valine with isoleucine at codon 2818 of the BRCA2 protein. This variant is also known as 8680G>A in the literature. Computational prediction suggests that this variant may not impact protein structure and function (internally defined REVEL score threshold <= 0.5, PMID: 27666373). Splice site prediction tools suggest that this variant may not impact RNA splicing. To our knowledge, functional studies have not been reported for this variant. This variant has been reported in an individual affected with breast and/or ovarian cancer (PMID: 16847550, 16760289) and an individual with an unspecified cancer (PMID: 32438681). This variant has been identified in 1/251400 chromosomes in the general population by the Genome Aggregation Database (gnomAD). The available evidence is insufficient to determine the role of this variant in disease conclusively. Therefore, this variant is classified as a Variant of Uncertain Significance.

This study involves interpretation of variants in research participants for the purpose of population health screening. Participant phenotype was not available at the time of variant classification. Additional details can be found in publication PMID: 35346344, PMCID: PMC8962531

Color Diagnostics, LLC DBA Color Health
Classification: Uncertain significance for Hereditary cancer-predisposing syndrome. Last evaluated: 2023-06-15. Review status: criteria provided, single submitter. Criteria: ACMG Guidelines, 2015. Collection method: clinical testing. Allele origin: germline.
Comment: This missense variant replaces valine with isoleucine at codon 2818 of the BRCA2 protein. This variant is also known as 8680G>A in the literature. Computational prediction suggests that this variant may not impact protein structure and function (internally defined REVEL score threshold <= 0.5, PMID: 27666373). To our knowledge, functional studies have not been reported for this variant. This variant has been reported in individuals affected with breast and/or ovarian cancer (PMID: 16847550, 16760289, 32658311, 34658299) and an individual affected with an unspecified cancer (PMID: 32438681). This variant has been identified in 1/251400 chromosomes in the general population by the Genome Aggregation Database (gnomAD). The available evidence is insufficient to determine the role of this variant in disease conclusively. Therefore, this variant is classified as a Variant of Uncertain Significance.

Baylor Genetics
Classification: Uncertain significance for Familial cancer of breast. Last evaluated: 2023-05-02. Review status: criteria provided, single submitter. Criteria: ACMG Guidelines, 2015. Collection method: clinical testing. Allele origin: unknown.

BRCAlab, Lund University
Classification: Uncertain significance for Breast-ovarian cancer, familial, susceptibility to, 2. Last evaluated: 2020-03-02. Review status: no assertion criteria provided. Collection method: clinical testing. Allele origin: germline. Affected: yes. Not counted in ClinVar's aggregate classification.

Counsyl
Classification: Uncertain significance for Breast-ovarian cancer, familial, susceptibility to, 2. Last evaluated: 2015-12-28. Review status: no assertion criteria provided. Collection method: clinical testing. Allele origin: unknown. Not counted in ClinVar's aggregate classification.

Breast Cancer Information Core (BIC) (BRCA2)
Classification: Uncertain significance for Breast-ovarian cancer, familial 2. Last evaluated: 2003-12-23. Review status: no assertion criteria provided. Collection method: clinical testing. Allele origin: germline. Affected: yes. Observed: 1 variant allele. Not counted in ClinVar's aggregate classification.

Literature cited by the submitters: PubMed 16760289 (cited by 7 submitters); PubMed 16847550 (cited by 6 submitters); PubMed 32658311 (cited by 5 submitters); PubMed 39779848 (cited by Ambry Genetics); PubMed 39779857 (cited by Ambry Genetics); PubMed 25348012 (cited by Quest Diagnostics Nichols Institute San Juan Capistrano and Counsyl); PubMed 24817641 (cited by Quest Diagnostics Nichols Institute San Juan Capistrano and Counsyl); PubMed 33471991 (cited by Quest Diagnostics Nichols Institute San Juan Capistrano and Department of Pathology and Laboratory Medicine, Sinai Health System); PubMed 32438681 (cited by 5 submitters); PubMed 19043619 (cited by 3 submitters); PubMed 34658299 (cited by 4 submitters); PubMed 37060015 (cited by Quest Diagnostics Nichols Institute San Juan Capistrano); PubMed 37415649 (cited by Quest Diagnostics Nichols Institute San Juan Capistrano); PubMed 31911673 (cited by Quest Diagnostics Nichols Institute San Juan Capistrano); PubMed 31853058 (cited by Quest Diagnostics Nichols Institute San Juan Capistrano); PubMed 35753294 (cited by Women's Health and Genetics/Laboratory Corporation of America, LabCorp).